The following is an entry in ClinVar:

ClinVar aggregate classification (germline): Likely benign (1 of 4 stars; one submission).

gnomAD v4.1: 88 of 1,613,820 alleles (0.0055%); highest among the groups gnomAD compares: Middle Eastern, 0.016%; no homozygotes.

Submission:

CeGaT Center for Human Genetics Tuebingen
Classification: Likely benign. Last evaluated: 2026-09-01. Review status: criteria provided, single submitter. Criteria: CeGaT Center For Human Genetics Tuebingen Variant Classification Criteria Version 2. Collection method: clinical testing. Allele origin: germline. Affected: yes. Observed: 1 variant allele.
Comment: TRIM71: BS2

NM_001039111.3(TRIM71):c.1399G>T (p.Ala467Ser)

Gene: TRIM71 (tripartite motif containing 71; plus strand). Cytogenetic location: 3p22.3.
Variant type: single nucleotide variant.
Coding change: c.1399G>T on transcript NM_001039111.3 (MANE Select); coding-DNA position 1399, G replaced by T.
Protein change: p.Ala467Ser; replaces alanine 467 with serine.
Molecular consequence: missense variant.
Genome position (GRCh38, 1-based): chr3:32,890,603, G>T. VCF-style: chr3-32890603-G-T. GRCh37 (hg19) VCF-style: chr3-32932095-G-T.
Other names: short protein forms A467S.
Identifiers: ClinVar variation 5039343 (VCV005039343.1).